The following is an entry in ClinVar:

ClinVar aggregate classification (germline): Uncertain significance (1 of 4 stars; one submission).

gnomAD v4.1: 1 of 1,613,636 alleles (0.000062%); highest among the groups gnomAD compares: Non-Finnish European, 0.000085%; no homozygotes.

Submission:

CeGaT Center for Human Genetics Tuebingen
Classification: Uncertain significance. Last evaluated: 2025-03-01. Review status: criteria provided, single submitter. Criteria: CeGaT Center For Human Genetics Tuebingen Variant Classification Criteria Version 2. Collection method: clinical testing. Allele origin: germline. Affected: yes. Observed: 1 variant allele.
Comment: CLCN2: PM2

NM_004366.6(CLCN2):c.1049G>A (p.Arg350Gln)

Gene: CLCN2 (chloride voltage-gated channel 2; minus strand). Cytogenetic location: 3q27.1.
Variant type: single nucleotide variant.
Coding change: c.1049G>A on transcript NM_004366.6 (MANE Select); coding-DNA position 1049, G replaced by A.
Protein change: p.Arg350Gln; replaces arginine 350 with glutamine.
Molecular consequence: missense variant.
Genome position (GRCh38, 1-based): chr3:184,357,029, C>T on the plus strand (G>A on the coding strand, the complement: CLCN2 is on the minus strand). VCF-style: chr3-184357029-C-T. GRCh37 (hg19) VCF-style: chr3-184074817-C-T.
Other names: c.1049G>A, p.Arg350Gln (NM_001171087.3, NM_001171089.3); c.917G>A, p.Arg306Gln (NM_001171088.3); short protein forms R306Q, R350Q.
Identifiers: ClinVar variation 3778461 (VCV003778461.7).